The following is an entry in ClinVar:

ClinVar aggregate classification (germline): Uncertain significance (1 of 4 stars; one submission).

Allele frequency attached by ClinVar (database versions not stated): gnomAD 0.00001; gnomAD exomes 0.00001; ExAC 0.00002; 1000 Genomes Project 30x 0.00016; 1000 Genomes Project 0.00020.
gnomAD v4.1: 4 of 1,613,942 alleles (0.00025%); highest among the groups gnomAD compares: South Asian, 0.0011%; no homozygotes.

Submission:

Labcorp Genetics (formerly Invitae), Labcorp
Classification: Uncertain significance. Last evaluated: 2022-05-25. Review status: criteria provided, single submitter. Criteria: Invitae Variant Classification Sherloc (09022015). Collection method: clinical testing. Allele origin: germline.
Comment: In summary, the available evidence is currently insufficient to determine the role of this variant in disease. Therefore, it has been classified as a Variant of Uncertain Significance. Algorithms developed to predict the effect of sequence changes on RNA splicing suggest that this variant may create or strengthen a splice site. This variant has not been reported in the literature in individuals affected with LAMA1-related conditions. This variant is present in population databases (rs550592812, gnomAD 0.003%). This sequence change affects codon 1700 of the LAMA1 mRNA. It is a 'silent' change, meaning that it does not change the encoded amino acid sequence of the LAMA1 protein.

NM_005559.4(LAMA1):c.5100A>G (p.Thr1700=)

Gene: LAMA1 (laminin subunit alpha 1; minus strand). Cytogenetic location: 18p11.31.
Variant type: single nucleotide variant.
Coding change: c.5100A>G on transcript NM_005559.4 (MANE Select); coding-DNA position 5100, A replaced by G.
Protein change: p.Thr1700=; no amino-acid change (threonine 1700 retained).
Molecular consequence: synonymous variant.
Genome position (GRCh38, 1-based): chr18:6,992,629, T>C on the plus strand (A>G on the coding strand, the complement: LAMA1 is on the minus strand). VCF-style: chr18-6992629-T-C. GRCh37 (hg19) VCF-style: chr18-6992628-T-C.
Identifiers: ClinVar variation 1968216 (VCV001968216.5), dbSNP rs550592812, ClinGen allele CA8881698.